The following is an entry in ClinVar:

ClinVar aggregate classification (germline): Pathogenic (1 of 4 stars; one submission).

Conditions:
Joubert syndrome. Also called: CEREBELLOPARENCHYMAL DISORDER IV; JOUBERT-BOLTSHAUSER SYNDROME; Familial aplasia of the vermis. Identifiers: Orphanet 475, MedGen C5979921, MONDO:0018772.
Meckel-Gruber syndrome. Also called: DYSENCEPHALIA SPLANCHNOCYSTICA; GRUBER SYNDROME; Dysencephalia splachnocystica. Identifiers: Orphanet 564, MedGen C0265215, MONDO:0018921.

Submission:

Labcorp Genetics (formerly Invitae), Labcorp
Classification: Pathogenic for Joubert syndrome; Meckel-Gruber syndrome. Last evaluated: 2024-10-16. Review status: criteria provided, single submitter. Criteria: Invitae Variant Classification Sherloc (09022015). Collection method: clinical testing. Allele origin: germline.
Comment: This sequence change creates a premature translational stop signal (p.Glu109*) in the RPGRIP1L gene. It is expected to result in an absent or disrupted protein product. Loss-of-function variants in RPGRIP1L are known to be pathogenic (PMID: 17558409). This variant is not present in population databases (gnomAD no frequency). This variant has not been reported in the literature in individuals affected with RPGRIP1L-related conditions. ClinVar contains an entry for this variant (Variation ID: 2120571). Algorithms developed to predict the effect of sequence changes on RNA splicing suggest that this variant may create or strengthen a splice site. For these reasons, this variant has been classified as Pathogenic.

Literature cited by the submitters: PubMed 17558409.

NM_015272.5(RPGRIP1L):c.325G>T (p.Glu109Ter)

Gene: RPGRIP1L (RPGRIP1 like; minus strand). Cytogenetic location: 16q12.2.
Variant type: single nucleotide variant.
Coding change: c.325G>T on transcript NM_015272.5 (MANE Select); coding-DNA position 325, G replaced by T.
Protein change: p.Glu109Ter; replaces glutamic acid 109 with a stop codon.
Molecular consequence: nonsense.
Genome position (GRCh38, 1-based): chr16:53,692,270, C>A on the plus strand (G>T on the coding strand, the complement: RPGRIP1L is on the minus strand). VCF-style: chr16-53692270-C-A. GRCh37 (hg19) VCF-style: chr16-53726182-C-A.
Other names: c.325G>T, p.Glu109Ter (NM_001127897.4, NM_001308334.3, NM_001330538.2); short protein forms E109*.
Identifiers: ClinVar variation 2120571 (VCV002120571.4), dbSNP rs2544707873, ClinGen allele CA395925069.